The following is an entry in ClinVar:

ClinVar aggregate classification (germline): Likely pathogenic (1 of 4 stars; one submission).

Conditions:
Familial cancer of breast. Also called: Hereditary breast cancer; hereditary breast carcinoma; BREAST CANCER, FAMILIAL. Identifiers: Orphanet 227535, MedGen C0346153, MONDO:0016419, OMIM 114480. Disease mechanism: loss of function.

Submission:

Labcorp Genetics (formerly Invitae), Labcorp
Classification: Likely pathogenic for Familial cancer of breast. Last evaluated: 2025-11-14. Review status: criteria provided, single submitter. Criteria: Invitae Variant Classification Sherloc (09022015). Collection method: clinical testing. Allele origin: germline.
Comment: This sequence change creates a premature translational stop signal (p.Cys639Glufs*73) in the BARD1 gene. While this is not anticipated to result in nonsense mediated decay, it is expected to disrupt the last 139 amino acid(s) of the BARD1 protein. This variant is not present in population databases (gnomAD no frequency). This variant has not been reported in the literature in individuals affected with BARD1-related conditions. This variant disrupts the C-terminal BRCT domain of BARD1 protein, which is required for chromosome stability and homology-directed repair (PMID: 17848578). A different variant (p.Val767fs) that lies downstream of this variant has been reported to affect BARD1 protein function (PMID: 30925164), this suggests that disruption of this region of the protein is causative of disease. In summary, the currently available evidence indicates that the variant is pathogenic, but additional data are needed to prove that conclusively. Therefore, this variant has been classified as Likely Pathogenic.

Literature cited by the submitters: PubMed 17848578; PubMed 30925164.

NM_000465.4(BARD1):c.1914_1920del (p.Cys639fs)

Gene: BARD1 (BRCA1 associated RING domain 1; minus strand). Cytogenetic location: 2q35.
Variant type: Deletion.
Coding change: c.1914_1920del on transcript NM_000465.4 (MANE Select); coding-DNA positions 1914 to 1920, 7 bases deleted (ATGTCTA; older notation c.1914_1920delATGTCTA).
Protein change: p.Cys639fs; shifts the reading frame from cysteine 639.
Molecular consequence: frameshift variant. On other transcripts: non-coding transcript variant (3).
Genome position (GRCh38, 1-based): chr2:214,730,492-214,730,498, TAGACAT deleted on the plus strand (ATGTCTA on the coding strand, the reverse complement: BARD1 is on the minus strand). VCF-style (leftmost placement, unchanged base first): chr2-214730491-GTAGACAT-G. GRCh37 (hg19) VCF-style: chr2-215595215-GTAGACAT-G.
Other names: c.1857_1863del, p.Cys620fs (NM_001282543.2); c.561_567del, p.Cys188fs (NM_001282545.2); c.504_510del, p.Cys169fs (NM_001282548.2); c.375_381del, p.Cys126fs (NM_001282549.2); short protein forms C169fs, C639fs, C126fs, C188fs, C620fs.
Identifiers: ClinVar variation 4731225 (VCV004731225.1).
Genomic context (GRCh38, chr2:214,730,491, plus strand): 5'-TGCTTCTGCGTGGACCTTCAGGAATTTCATACTTTTCTTCCTGTTCACATACTTTTCTTC[GTAGACAT>G]GCTTTTACCCCTGACAAAAACACAAGAATTAAAGCAAACTAAGTATCAAGTGAGCACTAT-3'